The following is an entry in ClinVar:

ClinVar aggregate classification (germline): Uncertain significance (1 of 4 stars; one submission).

Conditions:
Christianson syndrome (MRXSCH). Also called: X-linked mental retardation, syndromic, Christianson type; SLC9A6-Related Syndromic Mental Retardation; INTELLECTUAL DEVELOPMENTAL DISORDER, X-LINKED, SYNDROMIC, CHRISTIANSON TYPE. Identifiers: Orphanet 85278, MedGen C2678194, MONDO:0010278, OMIM 300243.

gnomAD v4.1: 6 of 1,148,987 alleles (0.00052%); highest among the groups gnomAD compares: Non-Finnish European, 0.00069%; no homozygotes.

Submission:

Labcorp Genetics (formerly Invitae), Labcorp
Classification: Uncertain significance for Christianson syndrome. Last evaluated: 2024-06-04. Review status: criteria provided, single submitter. Criteria: Invitae Variant Classification Sherloc (09022015). Collection method: clinical testing. Allele origin: germline.
Comment: This sequence change replaces proline, which is neutral and non-polar, with leucine, which is neutral and non-polar, at codon 10 of the SLC9A6 protein (p.Pro10Leu). This variant is not present in population databases (gnomAD no frequency). This variant has not been reported in the literature in individuals affected with SLC9A6-related conditions. Experimental studies and prediction algorithms are not available or were not evaluated, and the functional significance of this variant is currently unknown. In summary, the available evidence is currently insufficient to determine the role of this variant in disease. Therefore, it has been classified as a Variant of Uncertain Significance.

NM_001379110.1(SLC9A6):c.-57+54C>T

Genes: SLC9A6 (solute carrier family 9 member A6; plus strand), LOC130068746 (ATAC-STARR-seq lymphoblastoid silent region 21025; plus strand). Cytogenetic location: Xq26.3.
Variant type: single nucleotide variant.
Coding change: c.-57+54C>T on transcript NM_001379110.1 (MANE Select); 54 bases into the intron after 57 bases upstream of the start codon, C replaced by T.
Molecular consequence: intron variant. On other transcripts: missense variant (2).
Genome position (GRCh38, 1-based): chrX:135,985,531, C>T. VCF-style: chrX-135985531-C-T. GRCh37 (hg19) VCF-style: chrX-135067690-C-T.
Other names: c.29C>T, p.Pro10Leu (NM_001042537.2, NM_006359.3); c.-35-93C>T (NM_001400909.1); c.-56-72C>T (NM_001400910.1, NM_001400911.1); c.-57+54C>T (NM_001177651.2, NM_001400913.1); c.-57+59C>T (NM_001400912.1, NM_001330652.2); short protein forms P10L.
Identifiers: ClinVar variation 3679703 (VCV003679703.2).